The following is an entry in ClinVar:

NM_001267550.2(TTN):c.43596T>C (p.Asn14532=)

Gene: TTN (titin; minus strand). Cytogenetic location: 2q31.2.
Variant type: single nucleotide variant.
Coding change: c.43596T>C on transcript NM_001267550.2 (MANE Select); coding-DNA position 43596, T replaced by C.
Protein change: p.Asn14532=; no amino-acid change (asparagine 14532 retained).
Molecular consequence: synonymous variant.
Genome position (GRCh38, 1-based): chr2:178,632,298, A>G on the plus strand (T>C on the coding strand, the complement: TTN is on the minus strand). VCF-style: chr2-178632298-A-G. GRCh37 (hg19) VCF-style: chr2-179497025-A-G.
Other names: p.N11964N:AAT>AAC; p.Asn11964=; c.38673T>C, p.Asn12891= (NM_001256850.1); c.35892T>C, p.Asn11964= (NM_133378.4); c.16401T>C, p.Asn5467= (NM_003319.4); c.16776T>C, p.Asn5592= (NM_133432.3); c.16977T>C, p.Asn5659= (NM_133437.4).
Identifiers: ClinVar variation 46970 (VCV000046970.41), dbSNP rs16866423, ClinGen allele CA283239.
Genomic context (GRCh38, chr2:178,632,298, plus strand): 5'-CGAATGAGTTTTCCCTTCGTCTTGCATTGAGACCGACCTGGTGGTGTGTAGGCGCTGGTC[A>G]TTCTTGAACCATTTAACTCGGATGTTATCATGAGATAACTCCACAGTAAATACAGCACTT-3'
Protein context (NP_001254479.2, residues 14522-14542): HDNIRVKWFK[Asn14532=]DQRLHTTRSV

ClinVar aggregate classification (germline): Benign. Review status: criteria provided, multiple submitters, no conflicts (2 of 4 stars). 25 submissions from 18 submitters: Benign (20). 5 of the submissions do not count toward it. Last evaluated 2026-02-03.

Conditions:
Cardiovascular phenotype. Identifiers: MedGen CN230736.
Dilated cardiomyopathy 1G (CMD1G). Identifiers: Orphanet 154, MedGen C1858763, MONDO:0011400, OMIM 604145.
Autosomal recessive limb-girdle muscular dystrophy type 2J (LGMDR10). Also called: Limb-girdle muscular dystrophy, type 2J; MUSCULAR DYSTROPHY, LIMB-GIRDLE, AUTOSOMAL RECESSIVE 10. Identifiers: Orphanet 140922, MedGen C1837342, MONDO:0012127, OMIM 608807.
Cardiomyopathy (CMYO). Also called: Cardiomyopathies. Identifiers: Orphanet 167848, MedGen C0878544, MONDO:0004994, HP:0001638. Inheritance: Various modes of inheritance.
Early-onset myopathy with fatal cardiomyopathy (CMYO5). Also called: CONGENITAL MYOPATHY 5 WITH CARDIOMYOPATHY; Salih Myopathy. Identifiers: Orphanet 289377, MedGen C2673677, MONDO:0012714, OMIM 611705. Disease mechanism: loss of function.
Myopathy, myofibrillar, 9, with early respiratory failure (MFM9). Also called: MYOPATHY, PROXIMAL, WITH EARLY RESPIRATORY MUSCLE INVOLVEMENT; Myopathy, distal, with early respiratory failure, autosomal dominant; Hereditary myopathy with early respiratory failure; EDSTROM MYOPATHY. Identifiers: Orphanet 178464, Orphanet 34521, MedGen C1863599, MONDO:0011362, OMIM 603689.
Tibial muscular dystrophy (TMD). Also called: Tibial muscular dystrophy, tardive; UDD MYOPATHY; Udd Distal Myopathy – Tibial Muscular Dystrophy. Identifiers: Orphanet 609, MedGen C1838244, MONDO:0010870, OMIM 600334.

Allele frequency attached by ClinVar (database versions not stated): ESP Exome Variant Server 0.00279; gnomAD 0.00691 and 0.00962; TOPMed 0.00747; gnomAD exomes 0.00908 and 0.01856; ExAC 0.02206; 1000 Genomes Project 30x 0.03607; 1000 Genomes Project 0.03954.
gnomAD v4.1: 14,999 of 1,609,426 alleles (0.93%); highest among the groups gnomAD compares: East Asian, 13%; 542 homozygotes.

Submissions (25):

Labcorp Genetics (formerly Invitae), Labcorp
Classification: Benign for Dilated cardiomyopathy 1G; Autosomal recessive limb-girdle muscular dystrophy type 2J. Last evaluated: 2026-02-03. Review status: criteria provided, single submitter. Criteria: Invitae Variant Classification Sherloc (09022015). Collection method: clinical testing. Allele origin: germline.

Molecular Diagnostic Laboratory for Inherited Cardiovascular Disease, Montreal Heart Institute
Classification: Benign. Last evaluated: 2025-04-09. Review status: criteria provided, single submitter. Criteria: ACMG Guidelines, 2015. Collection method: clinical testing. Allele origin: germline. Affected: no.

Genome-Nilou Lab
Classification: Benign for Autosomal recessive limb-girdle muscular dystrophy type 2J. Last evaluated: 2021-09-10. Review status: criteria provided, single submitter. Criteria: ACMG Guidelines, 2015. Collection method: clinical testing. Allele origin: germline. Affected: no.

Genome-Nilou Lab
Classification: Benign for Myopathy, myofibrillar, 9, with early respiratory failure. Last evaluated: 2021-09-10. Review status: criteria provided, single submitter. Criteria: ACMG Guidelines, 2015. Collection method: clinical testing. Allele origin: germline. Affected: no.

Genome-Nilou Lab
Classification: Benign for Early-onset myopathy with fatal cardiomyopathy. Last evaluated: 2021-09-10. Review status: criteria provided, single submitter. Criteria: ACMG Guidelines, 2015. Collection method: clinical testing. Allele origin: germline. Affected: no.

Genome-Nilou Lab
Classification: Benign for Tibial muscular dystrophy. Last evaluated: 2021-09-10. Review status: criteria provided, single submitter. Criteria: ACMG Guidelines, 2015. Collection method: clinical testing. Allele origin: germline. Affected: no.

Women's Health and Genetics/Laboratory Corporation of America, LabCorp
Classification: Benign. Last evaluated: 2020-11-09. Review status: criteria provided, single submitter. Criteria: LabCorp Variant Classification Summary - May 2015. Collection method: clinical testing. Allele origin: germline.

Athena Diagnostics
Classification: Benign. Last evaluated: 2019-06-26. Review status: criteria provided, single submitter. Criteria: Athena Diagnostics Criteria. Collection method: clinical testing. Allele origin: germline.

Illumina Laboratory Services, Illumina
Classification: Benign for Myopathy, myofibrillar, 9, with early respiratory failure. Last evaluated: 2018-01-13. Review status: criteria provided, single submitter. Criteria: ICSL Variant Classification Criteria 13 December 2019. Collection method: clinical testing. Allele origin: germline.
Comment: This variant was observed in the ICSL laboratory as part of a predisposition screen in an ostensibly healthy population. It had not been previously curated by ICSL or reported in the Human Gene Mutation Database (HGMD: prior to June 1st, 2018), and was therefore a candidate for classification through an automated scoring system. Utilizing variant allele frequency, disease prevalence and penetrance estimates, and inheritance mode, an automated score was calculated to assess if this variant is too frequent to cause the disease. Based on the score and internal cut-off values, a variant classified as benign is not then subjected to further curation. The score for this variant resulted in a classification of benign for this disease.

Illumina Laboratory Services, Illumina
Classification: Benign for Dilated cardiomyopathy 1G. Last evaluated: 2018-01-13. Review status: criteria provided, single submitter. Criteria: ICSL Variant Classification Criteria 13 December 2019. Collection method: clinical testing. Allele origin: germline.
Comment: the same text as in the submission from Illumina Laboratory Services, Illumina above.

Illumina Laboratory Services, Illumina
Classification: Benign for Autosomal recessive limb-girdle muscular dystrophy type 2J. Last evaluated: 2018-01-13. Review status: criteria provided, single submitter. Criteria: ICSL Variant Classification Criteria 13 December 2019. Collection method: clinical testing. Allele origin: germline.
Comment: the same text as in the submission from Illumina Laboratory Services, Illumina above.

Illumina Laboratory Services, Illumina
Classification: Benign for Early-onset myopathy with fatal cardiomyopathy. Last evaluated: 2018-01-13. Review status: criteria provided, single submitter. Criteria: ICSL Variant Classification Criteria 13 December 2019. Collection method: clinical testing. Allele origin: germline.
Comment: the same text as in the submission from Illumina Laboratory Services, Illumina above.

Illumina Laboratory Services, Illumina
Classification: Benign for Tibial muscular dystrophy. Last evaluated: 2018-01-13. Review status: criteria provided, single submitter. Criteria: ICSL Variant Classification Criteria 13 December 2019. Collection method: clinical testing. Allele origin: germline.
Comment: the same text as in the submission from Illumina Laboratory Services, Illumina above.

Mayo Clinic Laboratories, Mayo Clinic
Classification: Benign. Last evaluated: 2017-12-11. Review status: criteria provided, single submitter. Criteria: ACMG Guidelines, 2015. Collection method: clinical testing. Allele origin: germline. Observed: 39 variant alleles.

CHEO Genetics Diagnostic Laboratory, Children's Hospital of Eastern Ontario
Classification: Benign for Cardiomyopathy. Last evaluated: 2015-12-21. Review status: criteria provided, single submitter. Criteria: ACMG Guidelines, 2015. Collection method: clinical testing. Allele origin: germline. Study: Canadian Open Genetics Repository.

Eurofins Ntd Llc (ga)
Classification: Benign. Last evaluated: 2015-06-10. Review status: criteria provided, single submitter. Criteria: EGL Classification Definitions 2015. Collection method: clinical testing. Allele origin: germline. Observed: 1 variant allele, 1 heterozygote.

GeneDx
Classification: Benign. Last evaluated: 2014-03-27. Review status: criteria provided, single submitter. Criteria: GeneDx Variant Classification (06012015). Collection method: clinical testing. Allele origin: germline. Affected: yes.
Comment: This variant is considered likely benign or benign based on one or more of the following criteria: it is a conservative change, it occurs at a poorly conserved position in the protein, it is predicted to be benign by multiple in silico algorithms, and/or has population frequency not consistent with disease.

Laboratory for Molecular Medicine, Mass General Brigham Personalized Medicine
Classification: Benign. Last evaluated: 2012-09-01. Review status: criteria provided, single submitter. Criteria: LMM Criteria. Collection method: clinical testing. Allele origin: germline. Observed: 31 variant alleles.

Ambry Genetics
Classification: Benign for Cardiovascular phenotype. Last evaluated: 2012-08-10. Review status: criteria provided, single submitter. Criteria: Ambry Autosomal Dominant and X-Linked criteria (10/2015). Collection method: clinical testing. Allele origin: germline. Observed: 1 variant allele.

Breakthrough Genomics
Classification: Benign. Review status: criteria provided, single submitter. Criteria: ACMG Guidelines, 2015. Collection method: not provided. Allele origin: germline. Inheritance: Autosomal recessive inheritance. Affected: yes.

Clinical Genetics DNA and cytogenetics Diagnostics Lab, Erasmus MC, Erasmus Medical Center
Classification: Benign. Review status: no assertion criteria provided. Collection method: clinical testing. Allele origin: germline. Affected: yes. Study: VKGL Data-share Consensus. Not counted in ClinVar's aggregate classification.

Clinical Genetics, Academic Medical Center
Classification: Benign. Review status: no assertion criteria provided. Collection method: clinical testing. Allele origin: germline. Affected: yes. Study: VKGL Data-share Consensus. Not counted in ClinVar's aggregate classification.

Genetic Services Laboratory, University of Chicago
Classification: Likely benign for AllHighlyPenetrant. Review status: no assertion criteria provided. Collection method: clinical testing. Allele origin: germline. Not counted in ClinVar's aggregate classification.
Comment: Likely benign based on allele frequency in 1000 Genomes Project or ESP global frequency and its presence in a patient with a rare or unrelated disease phenotype. NOT Sanger confirmed.

Joint Genome Diagnostic Labs from Nijmegen and Maastricht, Radboudumc and MUMC+
Classification: Benign. Review status: no assertion criteria provided. Collection method: clinical testing. Allele origin: germline. Affected: yes. Study: VKGL Data-share Consensus. Not counted in ClinVar's aggregate classification.

Laboratory of Diagnostic Genome Analysis, Leiden University Medical Center (LUMC)
Classification: Likely benign. Review status: no assertion criteria provided. Collection method: clinical testing. Allele origin: germline. Affected: yes. Study: VKGL Data-share Consensus. Not counted in ClinVar's aggregate classification.